The following is an entry in ClinVar:

ClinVar aggregate classification (germline): Uncertain significance. Review status: criteria provided, multiple submitters, no conflicts (2 of 4 stars). 5 submissions from 5 submitters: Uncertain significance (5). Last evaluated 2026-06-03.

Conditions:
Inborn genetic diseases. Identifiers: MedGen C0950123, MeSH D030342.
Charcot-Marie-Tooth disease type 4. Also called: Charcot-Marie-Tooth disease, type IV; Charcot-Marie-Tooth, Type 4. Identifiers: Orphanet 64749, MedGen C4082197, MONDO:0018995.
PRX-related disorder. Also called: PRX-Related Disorders; PRX-related condition.

Allele frequency attached by ClinVar (database versions not stated): ExAC 0.00009; gnomAD exomes 0.00009; gnomAD 0.00019; TOPMed 0.00025; 1000 Genomes Project 30x 0.00031; 1000 Genomes Project 0.00040; ESP Exome Variant Server 0.00046.
gnomAD v4.1: 76 of 1,613,042 alleles (0.0047%); highest among the groups gnomAD compares: African/African-American, 0.052%; no homozygotes.

Submissions (5):

PreventionGenetics, part of Exact Sciences
Classification: Uncertain significance for PRX-related condition. Last evaluated: 2026-06-03. Review status: criteria provided, single submitter. Criteria: ACMG Guidelines, 2015. Collection method: clinical testing. Allele origin: germline.
Comment: The PRX c.4366G>C variant is predicted to result in the amino acid substitution p.Ala1456Pro. To our knowledge, this variant has not been reported in the literature. This variant is reported in 0.081% of alleles in individuals of African descent in gnomAD. Although we suspect that this variant may be benign, at this time, the clinical significance of this variant is uncertain due to the absence of conclusive functional and genetic evidence.

Labcorp Genetics (formerly Invitae), Labcorp
Classification: Uncertain significance for Charcot-Marie-Tooth disease type 4. Last evaluated: 2026-01-05. Review status: criteria provided, single submitter. Criteria: Invitae Variant Classification Sherloc (09022015). Collection method: clinical testing. Allele origin: germline.
Comment: This sequence change replaces alanine, which is neutral and non-polar, with proline, which is neutral and non-polar, at codon 1456 of the PRX protein (p.Ala1456Pro). This variant is present in population databases (rs149093940, gnomAD 0.09%). This variant has not been reported in the literature in individuals affected with PRX-related conditions. ClinVar contains an entry for this variant (Variation ID: 543398). Invitae Evidence Modeling of protein sequence and biophysical properties (such as structural, functional, and spatial information, amino acid conservation, physicochemical variation, residue mobility, and thermodynamic stability) indicates that this missense variant is not expected to disrupt PRX protein function with a negative predictive value of 80%. In summary, the available evidence is currently insufficient to determine the role of this variant in disease. Therefore, it has been classified as a Variant of Uncertain Significance.

GeneDx
Classification: Uncertain significance. Last evaluated: 2025-10-09. Review status: criteria provided, single submitter. Criteria: GeneDx Variant Classification Process June 2021. Collection method: clinical testing. Allele origin: germline. Affected: yes.
Comment: In silico analysis suggests that this missense variant does not alter protein structure/function; Has not been previously published as pathogenic or benign to our knowledge

Mayo Clinic Laboratories, Mayo Clinic
Classification: Uncertain significance. Last evaluated: 2025-06-24. Review status: criteria provided, single submitter. Criteria: ACMG Guidelines, 2015. Collection method: clinical testing. Allele origin: germline. Observed: 1 variant allele.
Comment: BP4_moderate, PM2_supporting

Ambry Genetics
Classification: Uncertain significance for Inborn genetic diseases. Last evaluated: 2024-01-16. Review status: criteria provided, single submitter. Criteria: Ambry Variant Classification Scheme 2023. Collection method: clinical testing. Allele origin: germline.

NM_181882.3(PRX):c.4366G>C (p.Ala1456Pro)

Gene: PRX (periaxin; minus strand). Cytogenetic location: 19q13.2.
Variant type: single nucleotide variant.
Coding change: c.4366G>C on transcript NM_181882.3 (MANE Select); coding-DNA position 4366, G replaced by C.
Protein change: p.Ala1456Pro; replaces alanine 1456 with proline.
Molecular consequence: missense variant. On other transcripts: 3 prime UTR variant (1).
Genome position (GRCh38, 1-based): chr19:40,393,986, C>G on the plus strand (G>C on the coding strand, the complement: PRX is on the minus strand). VCF-style: chr19-40393986-C-G. GRCh37 (hg19) VCF-style: chr19-40899893-C-G.
Other names: p.Ala1456Pro; c.*4571G>C (NM_020956.2); short protein forms A1456P.
Identifiers: ClinVar variation 543398 (VCV000543398.17), dbSNP rs149093940, ClinGen allele CA9443625.